The following is an entry in ClinVar:

ClinVar aggregate classification (germline): Uncertain significance (1 of 4 stars; one submission).

Submission:

Labcorp Genetics (formerly Invitae), Labcorp
Classification: Uncertain significance. Last evaluated: 2024-09-13. Review status: criteria provided, single submitter. Criteria: Invitae Variant Classification Sherloc (09022015). Collection method: clinical testing. Allele origin: germline.
Comment: This sequence change replaces arginine, which is basic and polar, with threonine, which is neutral and polar, at codon 1699 of the ANK1 protein (p.Arg1699Thr). This variant also falls at the last nucleotide of exon 38, which is part of the consensus splice site for this exon. This variant is not present in population databases (gnomAD no frequency). This variant has not been reported in the literature in individuals affected with ANK1-related conditions. An algorithm developed to predict the effect of missense changes on protein structure and function (PolyPhen-2) suggests that this variant is likely to be disruptive. Variants that disrupt the consensus splice site are a relatively common cause of aberrant splicing (PMID: 17576681, 9536098). Algorithms developed to predict the effect of sequence changes on RNA splicing suggest that this variant may disrupt the consensus splice site. In summary, the available evidence is currently insufficient to determine the role of this variant in disease. Therefore, it has been classified as a Variant of Uncertain Significance.

Literature cited by the submitters: PubMed 17576681; PubMed 9536098.

NM_000037.4(ANK1):c.5096G>C (p.Arg1699Thr)

Gene: ANK1 (ankyrin 1; minus strand). Cytogenetic location: 8p11.21.
Variant type: single nucleotide variant.
Coding change: c.5096G>C on transcript NM_000037.4 (MANE Select); coding-DNA position 5096, G replaced by C.
Protein change: p.Arg1699Thr; replaces arginine 1699 with threonine.
Molecular consequence: missense variant.
Genome position (GRCh38, 1-based): chr8:41,672,354, C>G on the plus strand (G>C on the coding strand, the complement: ANK1 is on the minus strand). VCF-style: chr8-41672354-C-G. GRCh37 (hg19) VCF-style: chr8-41529872-C-G.
Other names: c.5219G>C, p.Arg1740Thr (NM_001142446.2); c.5096G>C, p.Arg1699Thr (NM_020475.3, NM_020476.3); c.4610G>C, p.Arg1537Thr (NM_020477.3); short protein forms R1537T, R1699T, R1740T.
Identifiers: ClinVar variation 3715926 (VCV003715926.2).